The following is an entry in ClinVar:

ClinVar aggregate classification (germline): Likely pathogenic (1 of 4 stars; one submission).

Conditions:
Primary ciliary dyskinesia. Also called: Ciliary dyskinesia. Identifiers: Orphanet 244, MedGen C0008780, MONDO:0016575, HP:0012265.

Submission:

Natera, Inc.
Classification: Likely pathogenic for Primary ciliary dyskinesia. Last evaluated: 2024-04-18. Review status: criteria provided, single submitter. Criteria: Natera Variant Classification Schema (03/2026). Collection method: clinical testing. Allele origin: germline.
Comment: The c.8734_8750dupATGTTCCTGCAGCTCTA variant in DNAH5 is a frameshift variant predicted to shift the reading frame and introduce a stop codon. This variant is expected to result in nonsense mediated decay, truncation, or a dysfunctional protein product. This variant is rare in the general population with a frequency below the threshold expected for the associated phenotype(s). Given the available evidence, this variant is classified as Likely Pathogenic.

NM_001369.3(DNAH5):c.8734_8750dup (p.Tyr2917Ter)

Gene: DNAH5 (dynein axonemal heavy chain 5; minus strand). Cytogenetic location: 5p15.2.
Variant type: Duplication.
Coding change: c.8734_8750dup on transcript NM_001369.3 (MANE Select); coding-DNA positions 8734 to 8750, 17 bases duplicated (ATGTTCCTGCAGCTCTA).
Protein change: p.Tyr2917Ter; replaces tyrosine 2917 with a stop codon.
Molecular consequence: nonsense.
Genome position (GRCh38, 1-based): chr5:13,786,249-13,786,265, TAGAGCTGCAGGAACAT duplicated on the plus strand (ATGTTCCTGCAGCTCTA on the coding strand, the reverse complement: DNAH5 is on the minus strand). VCF-style (leftmost placement, unchanged base first): chr5-13786248-A-ATAGAGCTGCAGGAACAT. GRCh37 (hg19) VCF-style: chr5-13786357-A-ATAGAGCTGCAGGAACAT.
Other names: short protein forms Y2917*.
Identifiers: ClinVar variation 4814917 (VCV004814917.1).